The following is an entry in ClinVar:

ClinVar aggregate classification (germline): Uncertain significance. Review status: criteria provided, multiple submitters, no conflicts (2 of 4 stars). 2 submissions from 2 submitters: Uncertain significance (2). Last evaluated 2026-06-30.

Conditions:
Inborn genetic diseases. Identifiers: MedGen C0950123, MeSH D030342.

Submissions (2):

Ambry Genetics
Classification: Uncertain significance for Inborn genetic diseases. Last evaluated: 2026-06-30. Review status: criteria provided, single submitter. Criteria: Ambry Variant Classification Scheme 2023. Collection method: clinical testing. Allele origin: germline.
Comment: The p.K1322N variant (also known as c.3966G>C), located in coding exon 1 of the SAMD9 gene, results from a G to C substitution at nucleotide position 3966. The lysine at codon 1322 is replaced by asparagine, an amino acid with similar properties. This amino acid position is conserved. In addition, this alteration is predicted to be tolerated by in silico analysis. Based on the available evidence, the clinical significance of this variant remains unclear.

GeneDx
Classification: Uncertain significance. Last evaluated: 2024-04-01. Review status: criteria provided, single submitter. Criteria: GeneDx Variant Classification Process June 2021. Collection method: clinical testing. Allele origin: germline. Affected: yes.
Comment: Not observed at significant frequency in large population cohorts (gnomAD); In silico analysis supports that this missense variant does not alter protein structure/function; Has not been previously published as pathogenic or benign to our knowledge

NM_017654.4(SAMD9):c.3966G>C (p.Lys1322Asn)

Gene: SAMD9 (sterile alpha motif domain containing 9; minus strand). Cytogenetic location: 7q21.2.
Variant type: single nucleotide variant.
Coding change: c.3966G>C on transcript NM_017654.4 (MANE Select); coding-DNA position 3966, G replaced by C.
Protein change: p.Lys1322Asn; replaces lysine 1322 with asparagine.
Molecular consequence: missense variant.
Genome position (GRCh38, 1-based): chr7:93,102,132, C>G on the plus strand (G>C on the coding strand, the complement: SAMD9 is on the minus strand). VCF-style: chr7-93102132-C-G. GRCh37 (hg19) VCF-style: chr7-92731445-C-G.
Other names: c.3966G>C, p.Lys1322Asn (NM_001193307.2); short protein forms K1322N.
Identifiers: ClinVar variation 3371730 (VCV003371730.2).
Genomic context (GRCh38, chr7:93,102,132, plus strand): 5'-GTCTGCTTTTAAAGCTACTAGGTTTCTCCTGCATCTCTCTACTTGAAGTGGCTCACTGAA[C>G]TTTGATCCAAGACCTGTGTTGTTTTGTGATTCTTCTAAGAGACAAAATATATCTACATAT-3'
Protein context (NP_060124.2, residues 1312-1332): ESQNNTGLGS[Lys1322Asn]FSEPLQVERC